The following is an entry in ClinVar:

NM_000520.6(HEXA):c.546dup (p.Leu183fs)

Gene: HEXA (hexosaminidase subunit alpha; minus strand). Cytogenetic location: 15q23.
Variant type: Duplication.
Coding change: c.546dup on transcript NM_000520.6 (MANE Select); coding-DNA position 546, one base duplicated (A; older notation c.546dupA).
Protein change: p.Leu183fs; shifts the reading frame from leucine 183.
Molecular consequence: frameshift variant. On other transcripts: non-coding transcript variant (1).
Genome position (GRCh38, 1-based): chr15:72,353,092, T duplicated on the plus strand (A on the coding strand, the reverse complement: HEXA is on the minus strand). VCF-style (leftmost placement, unchanged base first): chr15-72353091-G-GT. GRCh37 (hg19) VCF-style: chr15-72645432-G-GT.
Other names: c.579dup, p.Leu194fs (NM_001318825.2); c.546dupA (NM_000520.5); short protein forms L183fs, L194fs.
Identifiers: ClinVar variation 3918 (VCV000003918.177), dbSNP rs1595801740, ClinGen allele CA913185096.

ClinVar aggregate classification (germline): Pathogenic. Review status: criteria provided, multiple submitters, no conflicts (2 of 4 stars). 4 submissions from 4 submitters: Pathogenic (3). 1 of the submissions does not count toward it. Last evaluated 2025-04-23.

Conditions:
Tay-Sachs disease (TSD). Also called: HEXA DEFICIENCY; Hexosaminidase A Deficiency; HEXA Disorders; GM2 gangliosidosis, type 1; Hexosaminidase alpha-subunit deficiency (variant B); Sphingolipidosis, Tay-Sachs. Identifiers: Orphanet 845, MedGen C0039373, MONDO:0010100, OMIM 272800.

Allele frequency attached by ClinVar (database versions not stated): gnomAD exomes below 0.00001.

Submissions (4):

Natera, Inc.
Classification: Pathogenic for Tay-Sachs disease. Last evaluated: 2025-04-23. Review status: criteria provided, single submitter. Criteria: Natera Variant Classification Schema (03/2026). Collection method: clinical testing. Allele origin: germline.
Comment: The c.546dupA variant in HEXA is a frameshift variant predicted to shift the reading frame beginning at codon 183 and leads to a stop codon 3 codons downstream. This variant is expected to result in nonsense mediated decay, truncation, or a dysfunctional protein product. This variant is rare in the general population with a frequency below the threshold expected for the associated phenotype(s). This variant has been observed in one or more individuals affected with the associated recessive disease, as either homozygous or compound heterozygous with a second variant (PMID: 1301190). Given the available evidence, this variant is classified as Pathogenic.

Myriad Genetics, Inc.
Classification: Pathogenic for Tay-Sachs disease. Last evaluated: 2025-01-07. Review status: criteria provided, single submitter. Criteria: Myriad Autosomal Dominant, Autosomal Recessive and X-Linked Classification Criteria (2023). Collection method: clinical testing. Allele origin: unknown.
Comment: NM_000520.4(HEXA):c.546dupA(L183Tfs*3) is expected to be pathogenic in the context of hexosaminidase A deficiency. This variant is predicted to lead to an abnormal or absent protein product due to the creation of a premature termination codon in HEXA, a gene where loss-of-function variants are known to be pathogenic. Please note: this variant was assessed in the context of healthy population screening.

Labcorp Genetics (formerly Invitae), Labcorp
Classification: Pathogenic for Tay-Sachs disease. Last evaluated: 2024-01-17. Review status: criteria provided, single submitter. Criteria: Invitae Variant Classification Sherloc (09022015). Collection method: clinical testing. Allele origin: germline.
Comment: This sequence change creates a premature translational stop signal (p.Leu183Thrfs*3) in the HEXA gene. It is expected to result in an absent or disrupted protein product. Loss-of-function variants in HEXA are known to be pathogenic (PMID: 1833974, 8490625). This variant is not present in population databases (gnomAD no frequency). This premature translational stop signal has been observed in individual(s) with hexosaminidase A deficiency (PMID: 1301190). This variant is also known as insertion of an A after nt 547. ClinVar contains an entry for this variant (Variation ID: 3918). For these reasons, this variant has been classified as Pathogenic.

OMIM
Classification: Pathogenic for TAY-SACHS DISEASE. Last evaluated: 1992-01-01. Review status: no assertion criteria provided. Collection method: literature only. Allele origin: germline. Not counted in ClinVar's aggregate classification.

Literature cited by the submitters: PubMed 1301190 (cited by 3 submitters); PubMed 1833974 (cited by Labcorp Genetics (formerly Invitae), Labcorp); PubMed 8490625 (cited by Labcorp Genetics (formerly Invitae), Labcorp).